The following is an entry in ClinVar:

NM_138711.6(PPARG):c.920T>C (p.Leu307Pro)

Gene: PPARG (peroxisome proliferator activated receptor gamma; plus strand). Cytogenetic location: 3p25.2.
Variant type: single nucleotide variant.
Coding change: c.920T>C on transcript NM_138711.6 (MANE Select); coding-DNA position 920, T replaced by C.
Protein change: p.Leu307Pro; replaces leucine 307 with proline.
Molecular consequence: missense variant. On other transcripts: intron variant (5).
Genome position (GRCh38, 1-based): chr3:12,416,894, T>C. VCF-style: chr3-12416894-T-C. GRCh37 (hg19) VCF-style: chr3-12458393-T-C.
Other names: c.1010T>C, p.Leu337Pro (NM_015869.5); c.920T>C, p.Leu307Pro (NM_138712.5, NM_001354666.3, NM_001354667.3 and 3 more transcripts); c.729+10813T>C (NM_001374261.3, NM_001374262.3, NM_001330615.4); c.653+10895T>C (NM_001374266.1); c.819+10813T>C (NM_001374265.1); c.293T>C, p.Leu98Pro (NM_001354669.2); short protein forms L307P, L337P, L98P.
Identifiers: ClinVar variation 1337735 (VCV001337735.4), dbSNP rs2125284643, ClinGen allele CA351619526.

ClinVar aggregate classification (germline): Likely pathogenic (1 of 4 stars; one submission).

Submission:

Genetic Services Laboratory, University of Chicago
Classification: Likely pathogenic. Last evaluated: 2021-02-10. Review status: criteria provided, single submitter. Criteria: ACMG Guidelines, 2015. Collection method: clinical testing. Allele origin: germline. Affected: yes.
Comment: DNA sequence analysis of the PPARG gene demonstrated a sequence change, c.1010T>C, in exon 6 that results in an amino acid change, p.Leu337Pro. This sequence change does not appear to have been previously described in patients with PPARG-related disorders. It is absent from the large population databases (ExAC and gnomAD). The p.Leu337Pro change affects a highly conserved amino acid residue located in a domain of the PPARG protein that is known to be functional. The p.Leu337Pro substitution appears to be deleterious using several in-silico pathogenicity prediction tools (SIFT, PolyPhen2, Align GVGD, REVEL).